The following is an entry in ClinVar:

ClinVar aggregate classification (germline): Conflicting classifications of pathogenicity. Review status: criteria provided, conflicting classifications (1 of 4 stars). 7 submissions from 6 submitters: Uncertain significance (6); Likely benign (1). Last evaluated 2026-06-16.

Conditions:
PRKAG2-related disorder. Also called: PRKAG2-related condition; PRKAG2-related disorders.
Wolff-Parkinson-White pattern. Also called: WPW SYNDROME; Auriculoventricular accessory pathway syndrome; False bundle branch block syndrome; Anomalous ventricular excitation syndrome. Identifiers: MedGen C0043202, MONDO:0008685, OMIM 194200, HP:0001716.
Hypertrophic cardiomyopathy 6. Identifiers: MedGen C1833236, MONDO:0010946, OMIM 600858.
Lethal congenital glycogen storage disease of heart. Also called: GLYCOGEN STORAGE DISEASE OF HEART; PHOSPHORYLASE KINASE DEFICIENCY OF HEART. Identifiers: Orphanet 439854, MedGen C1849813, MONDO:0009867, OMIM 261740.
Cardiovascular phenotype. Identifiers: MedGen CN230736.
Cardiomyopathy (CMYO). Also called: Cardiomyopathies. Identifiers: Orphanet 167848, MedGen C0878544, MONDO:0004994, HP:0001638. Inheritance: Various modes of inheritance.

Allele frequency attached by ClinVar (database versions not stated): gnomAD exomes 0.00001; gnomAD 0.00002; TOPMed 0.00002.
gnomAD v4.1: 23 of 1,613,932 alleles (0.0014%); highest among the groups gnomAD compares: Middle Eastern, 0.016%; no homozygotes.

Submissions (7):

PreventionGenetics, part of Exact Sciences
Classification: Uncertain significance for PRKAG2-related condition. Last evaluated: 2026-06-16. Review status: criteria provided, single submitter. Criteria: ACMG Guidelines, 2015. Collection method: clinical testing. Allele origin: germline.
Comment: The PRKAG2 c.433G>A variant is predicted to result in the amino acid substitution p.Gly145Arg. This variant was reported in an individual with hypertrophic cardiomyopathy; however, no additional evidence was provided to support causation (table S3, Stafford et al. 2022. PubMed ID: 36578016). This variant is reported in 0.0062% of alleles in individuals of African descent in gnomAD. At this time, the clinical significance of this variant is uncertain due to the absence of conclusive functional and genetic evidence.

Labcorp Genetics (formerly Invitae), Labcorp
Classification: Likely benign for Lethal congenital glycogen storage disease of heart. Last evaluated: 2025-08-05. Review status: criteria provided, single submitter. Criteria: Invitae Variant Classification Sherloc (09022015). Collection method: clinical testing. Allele origin: germline.

Ambry Genetics
Classification: Uncertain significance for Cardiovascular phenotype. Last evaluated: 2025-07-12. Review status: criteria provided, single submitter. Criteria: Ambry Variant Classification Scheme 2023. Collection method: clinical testing. Allele origin: germline.
Comment: The p.G145R variant (also known as c.433G>A), located in coding exon 3 of the PRKAG2 gene, results from a G to A substitution at nucleotide position 433. The glycine at codon 145 is replaced by arginine, an amino acid with dissimilar properties. This amino acid position is conserved. In addition, this alteration is predicted to be deleterious by in silico analysis. Since supporting evidence is limited at this time, the clinical significance of this alteration remains unclear.

Color Diagnostics, LLC DBA Color Health
Classification: Uncertain significance for Cardiomyopathy. Last evaluated: 2024-03-04. Review status: criteria provided, single submitter. Criteria: ACMG Guidelines, 2015. Collection method: clinical testing. Allele origin: germline.
Comment: This missense variant replaces glycine with arginine at codon 145 of the PRKAG2 protein. Computational prediction suggests that this variant may not impact protein structure and function (internally defined REVEL score threshold <= 0.5, PMID: 27666373). To our knowledge, functional studies have not been reported for this variant. This variant has not been reported in individuals affected with PRKAG2-related disorders in the literature. This variant has been identified in 2/251218 chromosomes in the general population by the Genome Aggregation Database (gnomAD). The available evidence is insufficient to determine the role of this variant in disease conclusively. Therefore, this variant is classified as a Variant of Uncertain Significance.

Illumina Laboratory Services, Illumina
Classification: Uncertain significance for Hypertrophic cardiomyopathy 6. Last evaluated: 2018-01-12. Review status: criteria provided, single submitter. Criteria: ICSL Variant Classification Criteria 13 December 2019. Collection method: clinical testing. Allele origin: germline.

Illumina Laboratory Services, Illumina
Classification: Uncertain significance for Wolff-Parkinson-White pattern. Last evaluated: 2018-01-12. Review status: criteria provided, single submitter. Criteria: ICSL Variant Classification Criteria 13 December 2019. Collection method: clinical testing. Allele origin: germline.

Agnes Ginges Centre for Molecular Cardiology, Centenary Institute
Classification: Uncertain significance for Hypertrophic cardiomyopathy 6. Last evaluated: 2017-03-17. Review status: criteria provided, single submitter. Criteria: ACMG Guidelines, 2015. Collection method: research. Allele origin: germline. Affected: yes.
Comment: The PRKAG2 Gly145Arg variant is absent from the Exome Aggregation Consortium dataset and is present at a low frequency in the Genome Aggregation Database (MAF=0.0000079). Computational tools PolyPhen-2 and MutationTaster predict this variant to be deleterious, however SIFT predicts this variant to be "tolerated". In summary, the variant is rare in the general population, however there is no further information available at this time to classify the variant as either pathogenic or benign, therefore we classify PRKAG2 Gly145Arg as a variant of "uncertain significance".

NM_016203.4(PRKAG2):c.433G>A (p.Gly145Arg)

Gene: PRKAG2 (protein kinase AMP-activated non-catalytic subunit gamma 2; minus strand). Cytogenetic location: 7q36.1.
Variant type: single nucleotide variant.
Coding change: c.433G>A on transcript NM_016203.4 (MANE Select); coding-DNA position 433, G replaced by A.
Protein change: p.Gly145Arg; replaces glycine 145 with arginine.
Molecular consequence: missense variant.
Genome position (GRCh38, 1-based): chr7:151,781,185, C>T on the plus strand (G>A on the coding strand, the complement: PRKAG2 is on the minus strand). VCF-style: chr7-151781185-C-T. GRCh37 (hg19) VCF-style: chr7-151478271-C-T.
Other names: c.301G>A, p.Gly101Arg (NM_001040633.2); short protein forms G145R, G101R.
Identifiers: ClinVar variation 359345 (VCV000359345.17), dbSNP rs886062101, ClinGen allele CA10628504.